The following is an entry in ClinVar:

NM_000395.3(CSF2RB):c.100C>T (p.Arg34Cys)

Gene: CSF2RB (colony stimulating factor 2 receptor subunit beta; plus strand). Cytogenetic location: 22q12.3.
Variant type: single nucleotide variant.
Coding change: c.100C>T on transcript NM_000395.3 (MANE Select); coding-DNA position 100, C replaced by T.
Protein change: p.Arg34Cys; replaces arginine 34 with cysteine.
Molecular consequence: missense variant.
Genome position (GRCh38, 1-based): chr22:36,923,267, C>T. VCF-style: chr22-36923267-C-T. GRCh37 (hg19) VCF-style: chr22-37319309-C-T.
Other names: c.100C>T, p.Arg34Cys (NM_001410827.1); short protein forms R34C.
Identifiers: ClinVar variation 3012208 (VCV003012208.3), dbSNP rs376449769, ClinGen allele CA10213345.

ClinVar aggregate classification (germline): Uncertain significance (1 of 4 stars; one submission).

Allele frequency attached by ClinVar (database versions not stated): TOPMed 0.00001; ExAC 0.00002; gnomAD 0.00003; ESP Exome Variant Server 0.00008.
gnomAD v4.1: 32 of 1,614,042 alleles (0.002%); highest among the groups gnomAD compares: African/African-American, 0.008%; no homozygotes.

Submission:

Labcorp Genetics (formerly Invitae), Labcorp
Classification: Uncertain significance. Last evaluated: 2024-11-05. Review status: criteria provided, single submitter. Criteria: Invitae Variant Classification Sherloc (09022015). Collection method: clinical testing. Allele origin: germline.
Comment: This sequence change replaces arginine, which is basic and polar, with cysteine, which is neutral and slightly polar, at codon 34 of the CSF2RB protein (p.Arg34Cys). This variant is present in population databases (rs376449769, gnomAD 0.01%). This variant has not been reported in the literature in individuals affected with CSF2RB-related conditions. ClinVar contains an entry for this variant (Variation ID: 3012208). Invitae Evidence Modeling of protein sequence and biophysical properties (such as structural, functional, and spatial information, amino acid conservation, physicochemical variation, residue mobility, and thermodynamic stability) has been performed for this missense variant. However, the output from this modeling did not meet the statistical confidence thresholds required to predict the impact of this variant on CSF2RB protein function. In summary, the available evidence is currently insufficient to determine the role of this variant in disease. Therefore, it has been classified as a Variant of Uncertain Significance.